The following is an entry in ClinVar:

NM_032444.4(SLX4):c.4097G>A (p.Arg1366His)

Gene: SLX4 (SLX4 structure-specific endonuclease subunit; minus strand). Cytogenetic location: 16p13.3.
Variant type: single nucleotide variant.
Coding change: c.4097G>A on transcript NM_032444.4 (MANE Select); coding-DNA position 4097, G replaced by A.
Protein change: p.Arg1366His; replaces arginine 1366 with histidine.
Molecular consequence: missense variant.
Genome position (GRCh38, 1-based): chr16:3,589,541, C>T on the plus strand (G>A on the coding strand, the complement: SLX4 is on the minus strand). VCF-style: chr16-3589541-C-T. GRCh37 (hg19) VCF-style: chr16-3639542-C-T.
Other names: c.4097G>A (LRG_503t1); short protein forms R1366H.
Identifiers: ClinVar variation 456319 (VCV000456319.13), dbSNP rs375108717, ClinGen allele CA7865736.

ClinVar aggregate classification (germline): Uncertain significance. Review status: criteria provided, multiple submitters, no conflicts (2 of 4 stars). 2 submissions from 2 submitters: Uncertain significance (2). Last evaluated 2023-12-28.

Conditions:
Inborn genetic diseases. Identifiers: MedGen C0950123, MeSH D030342.
Fanconi anemia (FA). Also called: Fanconi's anemia. Identifiers: Orphanet 84, MedGen C0015625, MeSH D005199, MONDO:0019391.

Allele frequency attached by ClinVar (database versions not stated): ExAC 0.00001; gnomAD exomes 0.00001; TOPMed 0.00003; gnomAD 0.00004 and 0.00005; ESP Exome Variant Server 0.00008.
gnomAD v4.1: 22 of 1,610,444 alleles (0.0014%); highest among the groups gnomAD compares: African/African-American, 0.011%; 1 homozygote.

Submissions (2):

Ambry Genetics
Classification: Uncertain significance for Inborn genetic diseases. Last evaluated: 2023-12-28. Review status: criteria provided, single submitter. Criteria: Ambry Variant Classification Scheme 2023. Collection method: clinical testing. Allele origin: germline.

Labcorp Genetics (formerly Invitae), Labcorp
Classification: Uncertain significance for Fanconi anemia. Last evaluated: 2022-11-01. Review status: criteria provided, single submitter. Criteria: Invitae Variant Classification Sherloc (09022015). Collection method: clinical testing. Allele origin: germline.
Comment: In summary, the available evidence is currently insufficient to determine the role of this variant in disease. Therefore, it has been classified as a Variant of Uncertain Significance. Algorithms developed to predict the effect of missense changes on protein structure and function output the following: SIFT: "Tolerated"; PolyPhen-2: "Benign"; Align-GVGD: "Class C0". The histidine amino acid residue is found in multiple mammalian species, which suggests that this missense change does not adversely affect protein function. ClinVar contains an entry for this variant (Variation ID: 456319). This variant has not been reported in the literature in individuals affected with SLX4-related conditions. This variant is present in population databases (rs375108717, gnomAD 0.01%). This sequence change replaces arginine, which is basic and polar, with histidine, which is basic and polar, at codon 1366 of the SLX4 protein (p.Arg1366His).